The following is an entry in ClinVar:

NM_002471.4(MYH6):c.353C>A (p.Ser118Ter)

Genes: MYH6 (myosin heavy chain 6; minus strand), LOC114827851 (VISTA enhancer hs2155; plus strand). Cytogenetic location: 14q11.2.
Variant type: single nucleotide variant.
Coding change: c.353C>A on transcript NM_002471.4 (MANE Select); coding-DNA position 353, C replaced by A.
Protein change: p.Ser118Ter; replaces serine 118 with a stop codon.
Molecular consequence: nonsense.
Genome position (GRCh38, 1-based): chr14:23,405,372, G>T on the plus strand (C>A on the coding strand, the complement: MYH6 is on the minus strand). VCF-style: chr14-23405372-G-T. GRCh37 (hg19) VCF-style: chr14-23874581-G-T.
Other names: short protein forms S118*.
Identifiers: ClinVar variation 2628720 (VCV002628720.1), dbSNP rs1322526035, ClinGen allele CA389031254.

ClinVar aggregate classification (germline): Uncertain significance (1 of 4 stars; one submission).

Conditions:
MYH6-related disorder. Also called: MYH6-Related Disorders; MYH6-related condition.

Submission:

PreventionGenetics, part of Exact Sciences
Classification: Uncertain significance for MYH6-related condition. Last evaluated: 2023-06-08. Review status: criteria provided, single submitter. Criteria: ACMG Guidelines, 2015. Collection method: clinical testing. Allele origin: germline.
Comment: The MYH6 c.353C>A variant is predicted to result in premature protein termination (p.Ser118*). To our knowledge, this variant has not been reported in the literature or in a large population database, indicating this variant is rare. Loss of function has not been conclusively established as a mechanism for MYH6-related disorders. At this time, the clinical significance of this variant is uncertain due to the absence of conclusive functional and genetic evidence.